The following is an entry in ClinVar:

ClinVar aggregate classification (germline): Conflicting classifications of pathogenicity. Review status: criteria provided, conflicting classifications (1 of 4 stars). 3 submissions from 3 submitters: Likely pathogenic (1); Uncertain significance (2). Last evaluated 2025-11-04.

Conditions:
Pseudo-Hurler polydystrophy. Also called: ML IIIA; Mucolipidosis III Alpha/Beta; MUCOLIPIDOSIS IIIA; ML III; ML III ALPHA/BETA; Type III Mucolipidosis. Identifiers: Orphanet 423461, Orphanet 577, MedGen C0033788, MONDO:0018931, OMIM 252600.
Mucolipidosis type II. Also called: Mucolipidosis 2; ML 2; Inclusion cell disease; Leroy Disease; N-acetylglucosamine 1phosphotransferase deficiency; ML disorder type 2. Identifiers: Orphanet 576, MedGen C2673377, MONDO:0009650, OMIM 252500.

Submissions (3):

Kasturba Medical College, Manipal, Kasturba Medical College, Manipal, Manipal Academy of Higher Education, Manipal, India
Classification: Likely pathogenic for Mucolipidosis type II. Last evaluated: 2025-11-04. Review status: criteria provided, single submitter. Criteria: ACMG Guidelines, 2015. Collection method: research. Allele origin: paternal. Inheritance: Autosomal recessive inheritance. Affected: yes. Observed: 1 heterozygote.
Comment: This variant is not observed in homozygous and/or heterozygous state in our in-house data of 3801 exomes and gnomAD database (v4.1.0). In-silico prediction tools (CADD_phred, REVEL) are consistent in predicting the variant to be damaging to GNPTAB protein function. This variant has been reported as variant of uncertain significance by two submitters in association with mucolipidosis II (VCV001028806.2).

Genomic Medicine Center of Excellence, King Faisal Specialist Hospital and Research Centre
Classification: Uncertain significance for Mucolipidosis type II. Last evaluated: 2025-09-10. Review status: criteria provided, single submitter. Criteria: ACMG Guidelines, 2015. Collection method: clinical testing. Allele origin: germline.

Baylor Genetics
Classification: Uncertain significance for Pseudo-Hurler polydystrophy. Last evaluated: 2019-12-06. Review status: criteria provided, single submitter. Criteria: ACMG Guidelines, 2015. Collection method: clinical testing. Allele origin: unknown. Affected: yes.
Comment: This variant was determined to be of uncertain significance according to ACMG Guidelines, 2015 [PMID:25741868].

NM_024312.5(GNPTAB):c.1091G>C (p.Arg364Pro)

Gene: GNPTAB (N-acetylglucosamine-1-phosphate transferase subunits alpha and beta; minus strand). Cytogenetic location: 12q23.2.
Variant type: single nucleotide variant.
Coding change: c.1091G>C on transcript NM_024312.5 (MANE Select); coding-DNA position 1091, G replaced by C.
Protein change: p.Arg364Pro; replaces arginine 364 with proline.
Molecular consequence: missense variant.
Genome position (GRCh38, 1-based): chr12:101,770,428, C>G on the plus strand (G>C on the coding strand, the complement: GNPTAB is on the minus strand). VCF-style: chr12-101770428-C-G. GRCh37 (hg19) VCF-style: chr12-102164206-C-G.
Other names: short protein forms R364P.
Identifiers: ClinVar variation 1028806 (VCV001028806.3), dbSNP rs200784803, ClinGen allele CA386302976.